The following is an entry in ClinVar:

ClinVar aggregate classification (germline): Uncertain significance (1 of 4 stars; one submission).

Submission:

Labcorp Genetics (formerly Invitae), Labcorp
Classification: Uncertain significance. Last evaluated: 2024-06-05. Review status: criteria provided, single submitter. Criteria: Invitae Variant Classification Sherloc (09022015). Collection method: clinical testing. Allele origin: germline.
Comment: This sequence change replaces glycine, which is neutral and non-polar, with cysteine, which is neutral and slightly polar, at codon 1235 of the MYO5B protein (p.Gly1235Cys). This variant is not present in population databases (gnomAD no frequency). This variant has not been reported in the literature in individuals affected with MYO5B-related conditions. Advanced modeling of protein sequence and biophysical properties (such as structural, functional, and spatial information, amino acid conservation, physicochemical variation, residue mobility, and thermodynamic stability) performed at Invitae indicates that this missense variant is not expected to disrupt MYO5B protein function with a negative predictive value of 80%. In summary, the available evidence is currently insufficient to determine the role of this variant in disease. Therefore, it has been classified as a Variant of Uncertain Significance.

NM_001080467.3(MYO5B):c.3703G>T (p.Gly1235Cys)

Gene: MYO5B (myosin VB; minus strand). Cytogenetic location: 18q21.1.
Variant type: single nucleotide variant.
Coding change: c.3703G>T on transcript NM_001080467.3 (MANE Select); coding-DNA position 3703, G replaced by T.
Protein change: p.Gly1235Cys; replaces glycine 1235 with cysteine.
Molecular consequence: missense variant.
Genome position (GRCh38, 1-based): chr18:49,864,281, C>A on the plus strand (G>T on the coding strand, the complement: MYO5B is on the minus strand). VCF-style: chr18-49864281-C-A. GRCh37 (hg19) VCF-style: chr18-47390651-C-A.
Other names: short protein forms G1235C.
Identifiers: ClinVar variation 3655604 (VCV003655604.2).